The following is an entry in ClinVar:

NM_002860.4(ALDH18A1):c.1201G>A (p.Asp401Asn)

Gene: ALDH18A1 (aldehyde dehydrogenase 18 family member A1; minus strand). Cytogenetic location: 10q24.1.
Variant type: single nucleotide variant.
Coding change: c.1201G>A on transcript NM_002860.4 (MANE Select); coding-DNA position 1201, G replaced by A.
Protein change: p.Asp401Asn; replaces aspartic acid 401 with asparagine.
Molecular consequence: missense variant.
Genome position (GRCh38, 1-based): chr10:95,625,407, C>T on the plus strand (G>A on the coding strand, the complement: ALDH18A1 is on the minus strand). VCF-style: chr10-95625407-C-T. GRCh37 (hg19) VCF-style: chr10-97385164-C-T.
Other names: c.1195G>A, p.Asp399Asn (NM_001017423.2, NM_001323415.2); c.868G>A, p.Asp290Asn (NM_001323412.2, NM_001323416.2); c.1201G>A, p.Asp401Asn (NM_001323413.2, NM_001323414.2); c.1096G>A, p.Asp366Asn (NM_001323417.2); c.862G>A, p.Asp288Asn (NM_001323418.2); c.565G>A, p.Asp189Asn (NM_001323419.2); short protein forms D401N, D288N, D189N, D290N, D366N, D399N.
Identifiers: ClinVar variation 517143 (VCV000517143.2), dbSNP rs1242600175, ClinGen allele CA377702724.
Genomic context (GRCh38, chr10:95,625,407, plus strand): 5'-TTGCCTGGTCTTTACCCTCTGCCTCCTCCAAGTCTTTTTTGTTGGCTAACAGGATCTCAT[C>T]ACGCTGGTCCGTCAACAGATCAGCCAGATGATGGATAATTTCTGCTCTCTAGAAGAAAGG-3'
Protein context (NP_002851.2, residues 391-411): HLADLLTDQR[Asp401Asn]EILLANKKDL

ClinVar aggregate classification (germline): Uncertain significance. Review status: criteria provided, multiple submitters, no conflicts (2 of 4 stars). 2 submissions from 2 submitters: Uncertain significance (2). Last evaluated 2025-08-20.

Conditions:
de Barsy syndrome. Also called: Cutis laxa-corneal clouding-oligophrenia syndrome. Identifiers: Orphanet 2962, MedGen C0268354, MONDO:0017569.
Cutis laxa, autosomal dominant 3 (ADCL3). Identifiers: Orphanet 90348, MedGen C4225268, MONDO:0014706, OMIM 616603.
Autosomal dominant spastic paraplegia type 9. Identifiers: MedGen C1832669, MONDO:0015091.
Hereditary spastic paraplegia 9A. Also called: SPASTIC PARAPLEGIA 9A, AUTOSOMAL DOMINANT; CATARACTS WITH MOTOR NEURONOPATHY, SHORT STATURE, AND SKELETAL ABNORMALITIES; SPASTIC PARAPARESIS WITH AMYOTROPHY, CATARACTS, AND GASTROESOPHAGEAL REFLUX. Identifiers: Orphanet 100990, Orphanet 447753, MedGen C5568978, MONDO:0011006, OMIM 601162.

Allele frequency attached by ClinVar (database versions not stated): gnomAD exomes below 0.00001; gnomAD 0.00001; TOPMed 0.00001.
gnomAD v4.1: 8 of 1,614,070 alleles (0.0005%); highest among the groups gnomAD compares: African/African-American, 0.004%; no homozygotes.

Submissions (2):

Labcorp Genetics (formerly Invitae), Labcorp
Classification: Uncertain significance for Autosomal dominant spastic paraplegia type 9; de Barsy syndrome; Cutis laxa, autosomal dominant 3. Last evaluated: 2025-08-20. Review status: criteria provided, single submitter. Criteria: Invitae Variant Classification Sherloc (09022015). Collection method: clinical testing. Allele origin: germline.
Comment: This sequence change replaces aspartic acid, which is acidic and polar, with asparagine, which is neutral and polar, at codon 401 of the ALDH18A1 protein (p.Asp401Asn). This variant is present in population databases (no rsID available, gnomAD 0.007%). This variant has not been reported in the literature in individuals affected with ALDH18A1-related conditions. ClinVar contains an entry for this variant (Variation ID: 517143). Invitae Evidence Modeling of protein sequence and biophysical properties (such as structural, functional, and spatial information, amino acid conservation, physicochemical variation, residue mobility, and thermodynamic stability) indicates that this missense variant is not expected to disrupt ALDH18A1 protein function with a negative predictive value of 80%. In summary, the available evidence is currently insufficient to determine the role of this variant in disease. Therefore, it has been classified as a Variant of Uncertain Significance.

HudsonAlpha Institute for Biotechnology
Classification: Uncertain significance for Hereditary spastic paraplegia 9A. Last evaluated: 2018-01-23. Review status: criteria provided, single submitter. Criteria: HA_AGHI_assertions_20171208. Collection method: research. Allele origin: unknown. Observed: 1 variant allele. Study: AGHI-WGS-HudsonAlpha.